The following is an entry in ClinVar:

NM_001128148.3(TFRC):c.1528A>G (p.Met510Val)

Gene: TFRC (transferrin receptor; minus strand). Cytogenetic location: 3q29.
Variant type: single nucleotide variant.
Coding change: c.1528A>G on transcript NM_001128148.3 (MANE Select); coding-DNA position 1528, A replaced by G.
Protein change: p.Met510Val; replaces methionine 510 with valine.
Molecular consequence: missense variant.
Genome position (GRCh38, 1-based): chr3:196,060,188, T>C on the plus strand (A>G on the coding strand, the complement: TFRC is on the minus strand). VCF-style: chr3-196060188-T-C. GRCh37 (hg19) VCF-style: chr3-195787059-T-C.
Other names: c.1528A>G (NM_003234.2); c.1285A>G, p.Met429Val (NM_001313965.2); c.682A>G, p.Met228Val (NM_001313966.2); c.1528A>G, p.Met510Val (NM_003234.4); short protein forms M429V, M228V, M510V.
Identifiers: ClinVar variation 1376787 (VCV001376787.9), dbSNP rs1043111000, ClinGen allele CA90747820.
Genomic context (GRCh38, chr3:196,060,188, plus strand): 5'-TTGATTCAACAAAAATTAAGTCATACATTTTTGTAATGAGGTATATACTCACATTTTGCA[T>C]TGTTTTCTCAATAAGCGTATACAACAGTGGGCTGGCAGAAACCTTGAAGTTGCTGGTACC-3'
Protein context (NP_001121620.1, residues 500-520): PLLYTLIEKT[Met510Val]QNVKHPVTGQ

ClinVar aggregate classification (germline): Uncertain significance. Review status: criteria provided, multiple submitters, no conflicts (2 of 4 stars). 2 submissions from 2 submitters: Uncertain significance (2). Last evaluated 2024-09-02.

Conditions:
Inborn genetic diseases. Identifiers: MedGen C0950123, MeSH D030342.

Allele frequency attached by ClinVar (database versions not stated): gnomAD exomes 0.00001; gnomAD 0.00003 and 0.00004; TOPMed 0.00003.
gnomAD v4.1: 23 of 1,613,504 alleles (0.0014%); highest among the groups gnomAD compares: African/African-American, 0.0053%; no homozygotes.

Submissions (2):

Ambry Genetics
Classification: Uncertain significance for Inborn genetic diseases. Last evaluated: 2024-09-02. Review status: criteria provided, single submitter. Criteria: Ambry Variant Classification Scheme 2023. Collection method: clinical testing. Allele origin: germline.

Labcorp Genetics (formerly Invitae), Labcorp
Classification: Uncertain significance. Last evaluated: 2021-08-17. Review status: criteria provided, single submitter. Criteria: Invitae Variant Classification Sherloc (09022015). Collection method: clinical testing. Allele origin: germline.
Comment: In summary, the available evidence is currently insufficient to determine the role of this variant in disease. Therefore, it has been classified as a Variant of Uncertain Significance. Algorithms developed to predict the effect of missense changes on protein structure and function (SIFT, PolyPhen-2, Align-GVGD) all suggest that this variant is likely to be tolerated, but these predictions have not been confirmed by published functional studies and their clinical significance is uncertain. This variant has not been reported in the literature in individuals with TFRC-related conditions. This variant is not present in population databases (ExAC no frequency). This sequence change replaces methionine with valine at codon 510 of the TFRC protein (p.Met510Val). The methionine residue is moderately conserved and there is a small physicochemical difference between methionine and valine.